The following is an entry in ClinVar:

NM_001256789.3(CACNA1F):c.198G>A (p.Gln66=)

Gene: CACNA1F (calcium voltage-gated channel subunit alpha1 F; minus strand). Cytogenetic location: Xp11.23.
Variant type: single nucleotide variant.
Coding change: c.198G>A on transcript NM_001256789.3 (MANE Select); coding-DNA position 198, G replaced by A.
Protein change: p.Gln66=; no amino-acid change (glutamine 66 retained).
Molecular consequence: synonymous variant. On other transcripts: intron variant (1).
Genome position (GRCh38, 1-based): chrX:49,231,755, C>T on the plus strand (G>A on the coding strand, the complement: CACNA1F is on the minus strand). VCF-style: chrX-49231755-C-T. GRCh37 (hg19) VCF-style: chrX-49088217-C-T.
Other names: c.198G>A, p.Gln66= (NM_005183.4); c.66-63G>A (NM_001256790.3).
Identifiers: ClinVar variation 3049336 (VCV003049336.2), dbSNP rs2519143071, ClinGen allele CA516382328.

ClinVar aggregate classification (germline): Likely benign (0 of 4 stars; one submission).

Conditions:
CACNA1F-related disorder. Also called: CACNA1F-related condition.

Submission:

PreventionGenetics, part of Exact Sciences
Classification: Likely benign for CACNA1F-related condition. Last evaluated: 2019-07-11. Review status: no assertion criteria provided. Collection method: clinical testing. Allele origin: germline.
Comment: This variant is classified as likely benign based on ACMG/AMP sequence variant interpretation guidelines (Richards et al. 2015 PMID: 25741868, with internal and published modifications).